The following is an entry in ClinVar:

NM_004982.4(KCNJ8):c.760A>G (p.Ile254Val)

Genes: KCNJ8 (potassium inwardly rectifying channel subfamily J member 8; minus strand), KCNJ8-AS1 (KCNJ8 antisense RNA 1; plus strand). Cytogenetic location: 12p12.1.
Variant type: single nucleotide variant.
Coding change: c.760A>G on transcript NM_004982.4 (MANE Select); coding-DNA position 760, A replaced by G.
Protein change: p.Ile254Val; replaces isoleucine 254 with valine.
Molecular consequence: missense variant.
Genome position (GRCh38, 1-based): chr12:21,766,238, T>C on the plus strand (A>G on the coding strand, the complement: KCNJ8 is on the minus strand). VCF-style: chr12-21766238-T-C. GRCh37 (hg19) VCF-style: chr12-21919172-T-C.
Other names: short protein forms I254V.
Identifiers: ClinVar variation 1506345 (VCV001506345.8), dbSNP rs1235054283, ClinGen allele CA384124578.

ClinVar aggregate classification (germline): Uncertain significance. Review status: criteria provided, multiple submitters, no conflicts (2 of 4 stars). 2 submissions from 2 submitters: Uncertain significance (2). Last evaluated 2022-06-07.

Conditions:
Brugada syndrome. Also called: Sudden unexpected nocturnal death syndrome; Sudden Unexplained Death Syndrome; Sudden Unexplained Nocturnal Death Syndrome (SUNDS); Sudden unexplained nocturnal death syndrome. Identifiers: Orphanet 130, MedGen C1142166, MONDO:0015263.
Cardiovascular phenotype. Identifiers: MedGen CN230736.

Allele frequency attached by ClinVar (database versions not stated): gnomAD exomes below 0.00001 and 0.00001.
gnomAD v4.1: 17 of 1,614,060 alleles (0.0011%); highest among the groups gnomAD compares: Non-Finnish European, 0.0012%; no homozygotes.

Submissions (2):

Ambry Genetics
Classification: Uncertain significance for Cardiovascular phenotype. Last evaluated: 2022-06-07. Review status: criteria provided, single submitter. Criteria: Ambry Variant Classification Scheme 2023. Collection method: clinical testing. Allele origin: germline.
Comment: The p.I254V variant (also known as c.760A>G), located in coding exon 2 of the KCNJ8 gene, results from an A to G substitution at nucleotide position 760. The isoleucine at codon 254 is replaced by valine, an amino acid with highly similar properties. This amino acid position is not well conserved in available vertebrate species, and valine is the reference amino acid in other vertebrate species. In addition, this alteration is predicted to be tolerated by in silico analysis. Since supporting evidence is limited at this time, the clinical significance of this alteration remains unclear.

Labcorp Genetics (formerly Invitae), Labcorp
Classification: Uncertain significance for Brugada syndrome. Last evaluated: 2021-11-08. Review status: criteria provided, single submitter. Criteria: Invitae Variant Classification Sherloc (09022015). Collection method: clinical testing. Allele origin: germline.
Comment: In summary, the available evidence is currently insufficient to determine the role of this variant in disease. Therefore, it has been classified as a Variant of Uncertain Significance. Algorithms developed to predict the effect of sequence changes on RNA splicing suggest that this variant may create or strengthen a splice site. Advanced modeling of protein sequence and biophysical properties (such as structural, functional, and spatial information, amino acid conservation, physicochemical variation, residue mobility, and thermodynamic stability) performed at Invitae indicates that this missense variant is not expected to disrupt KCNJ8 protein function. This variant has not been reported in the literature in individuals affected with KCNJ8-related conditions. This variant is present in population databases (no rsID available, gnomAD 0.0009%). This sequence change replaces isoleucine, which is neutral and non-polar, with valine, which is neutral and non-polar, at codon 254 of the KCNJ8 protein (p.Ile254Val).